The following is an entry in ClinVar:

ClinVar aggregate classification (germline): Uncertain significance (1 of 4 stars; one submission).

Conditions:
Cardiovascular phenotype. Identifiers: MedGen CN230736.

Submission:

Ambry Genetics
Classification: Uncertain significance for Cardiovascular phenotype. Last evaluated: 2023-04-24. Review status: criteria provided, single submitter. Criteria: Ambry Variant Classification Scheme 2023. Collection method: clinical testing. Allele origin: germline.
Comment: The p.V76L variant (also known as c.226G>C), located in coding exon 2 of the CACNA1C gene, results from a G to C substitution at nucleotide position 226. The valine at codon 76 is replaced by leucine, an amino acid with highly similar properties. This amino acid position is not well conserved in available vertebrate species. In addition, this alteration is predicted to be tolerated by in silico analysis. Since supporting evidence is limited at this time, the clinical significance of this alteration remains unclear.

NM_000719.7(CACNA1C):c.226G>C (p.Val76Leu)

Gene: CACNA1C (calcium voltage-gated channel subunit alpha1 C; plus strand). Cytogenetic location: 12p13.33.
Variant type: single nucleotide variant.
Coding change: c.226G>C on transcript NM_000719.7 (MANE Select); coding-DNA position 226, G replaced by C.
Protein change: p.Val76Leu; replaces valine 76 with leucine.
Molecular consequence: missense variant.
Genome position (GRCh38, 1-based): chr12:2,115,400, G>C. VCF-style: chr12-2115400-G-C. GRCh37 (hg19) VCF-style: chr12-2224566-G-C.
Other names: c.226G>C, p.Val76Leu (NM_001129827.2, NM_001129829.2, NM_001129830.3 and 19 more transcripts); short protein forms V76L.
Identifiers: ClinVar variation 2566925 (VCV002566925.2), dbSNP rs2547568153, ClinGen allele CA383653192.